The following is an entry in ClinVar:

NM_003900.5(SQSTM1):c.1313C>T (p.Pro438Leu)

Gene: SQSTM1 (sequestosome 1; plus strand). Cytogenetic location: 5q35.3.
Variant type: single nucleotide variant.
Coding change: c.1313C>T on transcript NM_003900.5 (MANE Select); coding-DNA position 1313, C replaced by T.
Protein change: p.Pro438Leu; replaces proline 438 with leucine.
Molecular consequence: missense variant.
Genome position (GRCh38, 1-based): chr5:179,836,583, C>T. VCF-style: chr5-179836583-C-T. GRCh37 (hg19) VCF-style: chr5-179263583-C-T.
Other names: c.1061C>T, p.Pro354Leu (NM_001142298.2, NM_001142299.2); short protein forms P354L, P438L.
Identifiers: ClinVar variation 947710 (VCV000947710.13), dbSNP rs759646319, ClinGen allele CA3600887.

ClinVar aggregate classification (germline): Uncertain significance. Review status: criteria provided, multiple submitters, no conflicts (2 of 4 stars). 5 submissions from 5 submitters: Uncertain significance (4). 1 of the submissions does not count toward it. Last evaluated 2025-08-29.

Conditions:
Paget disease of bone 2, early-onset (PDB2). Also called: Paget disease of bone 2. Identifiers: MedGen C4085251, MONDO:0011183, OMIM 602080.
Frontotemporal dementia and/or amyotrophic lateral sclerosis 1 (FTDALS1). Also called: Frontotemporal dementia with motor neuron disease 1; C9orf72 Frontotemporal Dementia and/or Amyotrophic Lateral Sclerosis. Identifiers: Orphanet 275872, MedGen C5779877, MONDO:0007105, OMIM 105550.
SQSTM1-related disorder. Also called: SQSTM1-Related Disorders.
Frontotemporal dementia and/or amyotrophic lateral sclerosis 3. Also called: FTDALS3. Identifiers: Orphanet 275864, Orphanet 275872, Orphanet 803, MedGen C4225326, MONDO:0014640, OMIM 616437.

Allele frequency attached by ClinVar (database versions not stated): ExAC 0.00001; gnomAD exomes 0.00002 and 0.00003; TOPMed 0.00002; gnomAD 0.00003.
gnomAD v4.1: 44 of 1,614,076 alleles (0.0027%); highest among the groups gnomAD compares: Non-Finnish European, 0.0035%; no homozygotes.

Submissions (5):

Labcorp Genetics (formerly Invitae), Labcorp
Classification: Uncertain significance for Paget disease of bone 2, early-onset; Frontotemporal dementia and/or amyotrophic lateral sclerosis 1. Last evaluated: 2025-08-29. Review status: criteria provided, single submitter. Criteria: Invitae Variant Classification Sherloc (09022015). Collection method: clinical testing. Allele origin: germline.
Comment: This sequence change replaces proline, which is neutral and non-polar, with leucine, which is neutral and non-polar, at codon 438 of the SQSTM1 protein (p.Pro438Leu). This variant is present in population databases (rs759646319, gnomAD 0.004%). This variant has been observed in individuals affected with amyotrophic lateral sclerosis and Alzheimer's disease (PMID: 22972638, 29895397, 23942205, 25796131, 31859009) as well as an unaffected control individual (PMID: 23417734). ClinVar contains an entry for this variant (Variation ID: 947710). An algorithm developed to predict the effect of missense changes on protein structure and function outputs the following: PolyPhen-2: "Benign". The leucine amino acid residue is found in multiple mammalian species, which suggests that this missense change does not adversely affect protein function. In summary, the available evidence is currently insufficient to determine the role of this variant in disease. Therefore, it has been classified as a Variant of Uncertain Significance.

Blueprint Genetics
Classification: Uncertain significance. Last evaluated: 2024-10-01. Review status: criteria provided, single submitter. Criteria: ACMG Guidelines, 2015. Collection method: clinical testing. Allele origin: germline.

GeneDx
Classification: Uncertain significance. Last evaluated: 2023-03-17. Review status: criteria provided, single submitter. Criteria: GeneDx Variant Classification Process June 2021. Collection method: clinical testing. Allele origin: germline. Affected: yes.
Comment: Observed in individuals with ALS in published literature; however, also observed in controls (Rubino et al., 2012; Narain et al., 2018; Yilmaz et al., 2020); Not observed at significant frequency in large population cohorts (gnomAD); In silico analysis supports that this missense variant has a deleterious effect on protein structure/function; This variant is associated with the following publications: (PMID: 22972638, 32594029, 27397505, 24486447, 31859009, 29895397, 23942205, 25796131, 23417734, 32293029)

Laboratorio de Genetica e Diagnostico Molecular, Hospital Israelita Albert Einstein
Classification: Uncertain significance for Frontotemporal dementia and/or amyotrophic lateral sclerosis 3. Last evaluated: 2022-12-12. Review status: criteria provided, single submitter. Criteria: ACMG Guidelines, 2015. Collection method: clinical testing. Allele origin: germline. Affected: yes.
Comment: ACMG classification criteria: PM2 supporting, BP4 supporting

PreventionGenetics, part of Exact Sciences
Classification: Uncertain significance for SQSTM1-related condition. Last evaluated: 2023-12-06. Review status: no assertion criteria provided. Collection method: clinical testing. Allele origin: germline. Not counted in ClinVar's aggregate classification.
Comment: The SQSTM1 c.1313C>T variant is predicted to result in the amino acid substitution p.Pro438Leu. This variant has been reported in multiple unrelated individuals with amyotrophic lateral sclerosis (ALS, Rubino et al. 2012. PubMed ID: 22972638; Narain et al. 2018. PubMed ID: 29895397; Yilmaz et al. 2019. PubMed ID: 31859009). This variant has also been reported in two individuals with Alzheimer's disease, although one individual harbored an additional SQSTM1 variant, and in a healthy control from a cohort study of ALS patients (Cuyvers et al. 2015. PubMed ID: 25796131; Teyssou et al. 2013. PubMed ID: 23417734). This variant is reported in 0.0040% of alleles in individuals of African descent in gnomAD. At this time, the clinical significance of this variant is uncertain due to the absence of conclusive functional and genetic evidence.

Literature cited by the submitters: PubMed 22972638 (cited by Labcorp Genetics (formerly Invitae), Labcorp); PubMed 29895397 (cited by Labcorp Genetics (formerly Invitae), Labcorp); PubMed 23942205 (cited by Labcorp Genetics (formerly Invitae), Labcorp); PubMed 25796131 (cited by Labcorp Genetics (formerly Invitae), Labcorp); PubMed 31859009 (cited by Labcorp Genetics (formerly Invitae), Labcorp); PubMed 23417734 (cited by Labcorp Genetics (formerly Invitae), Labcorp).